The following is an entry in ClinVar:

NM_001010909.5(MUC21):c.1239G>C (p.Val413=)

Genes: MUC21 (mucin 21, cell surface associated; plus strand), LOC126859647 (CDK7 strongly-dependent group 2 enhancer GRCh37_chr6:30954612-30955811; plus strand). Cytogenetic location: 6p21.33.
Variant type: single nucleotide variant.
Coding change: c.1239G>C on transcript NM_001010909.5 (MANE Select); coding-DNA position 1239, G replaced by C.
Protein change: p.Val413=; no amino-acid change (valine 413 retained).
Molecular consequence: synonymous variant. On other transcripts: non-coding transcript variant (1).
Genome position (GRCh38, 1-based): chr6:30,987,414, G>C. VCF-style: chr6-30987414-G-C. GRCh37 (hg19) VCF-style: chr6-30955191-G-C.
Other names: c.1329G>C, p.Val443= (NM_001322370.2); c.1419G>C, p.Val473= (NM_001322371.2).
Identifiers: ClinVar variation 2656381 (VCV002656381.24), dbSNP rs1235609399, ClinGen allele CA449782801.

ClinVar aggregate classification (germline): Likely benign (1 of 4 stars; one submission).

Allele frequency attached by ClinVar (database versions not stated): gnomAD 0.00004.

Submission:

CeGaT Center for Human Genetics Tuebingen
Classification: Likely benign. Last evaluated: 2022-04-01. Review status: criteria provided, single submitter. Criteria: CeGaT Center For Human Genetics Tuebingen Variant Classification Criteria Version 2. Collection method: clinical testing. Allele origin: germline. Affected: yes. Observed: 1 variant allele.
Comment: MUC21: BP4, BP7